The following is an entry in ClinVar:

ClinVar aggregate classification (germline): Uncertain significance. Review status: criteria provided, multiple submitters, no conflicts (2 of 4 stars). 4 submissions from 4 submitters: Uncertain significance (4). Last evaluated 2026-02-01.

Conditions:
Dilated cardiomyopathy 1JJ (CMD1JJ). Identifiers: Orphanet 154, MedGen C3808935, MONDO:0014095, OMIM 615235.
Cardiovascular phenotype. Identifiers: MedGen CN230736.

Allele frequency attached by ClinVar (database versions not stated): gnomAD exomes 0.00001.
gnomAD v4.1: 9 of 1,611,172 alleles (0.00056%); highest among the groups gnomAD compares: Middle Eastern, 0.05%; no homozygotes.

Submissions (4):

CeGaT Center for Human Genetics Tuebingen
Classification: Uncertain significance. Last evaluated: 2026-02-01. Review status: criteria provided, single submitter. Criteria: CeGaT Center For Human Genetics Tuebingen Variant Classification Criteria Version 2. Collection method: clinical testing. Allele origin: germline. Affected: yes. Observed: 1 variant allele.
Comment: LAMA4: PM2, PP3, BP5

Ambry Genetics
Classification: Uncertain significance for Cardiovascular phenotype. Last evaluated: 2022-07-06. Review status: criteria provided, single submitter. Criteria: Ambry Variant Classification Scheme 2023. Collection method: clinical testing. Allele origin: germline.
Comment: The p.H1725Y variant (also known as c.5173C>T), located in coding exon 36 of the LAMA4 gene, results from a C to T substitution at nucleotide position 5173. The histidine at codon 1725 is replaced by tyrosine, an amino acid with similar properties. This amino acid position is conserved. In addition, this alteration is predicted to be deleterious by in silico analysis. Since supporting evidence is limited at this time, the clinical significance of this alteration remains unclear.

Labcorp Genetics (formerly Invitae), Labcorp
Classification: Uncertain significance for Dilated cardiomyopathy 1JJ. Last evaluated: 2021-03-09. Review status: criteria provided, single submitter. Criteria: Invitae Variant Classification Sherloc (09022015). Collection method: clinical testing. Allele origin: germline.
Comment: This variant is not present in population databases (ExAC no frequency). In summary, the available evidence is currently insufficient to determine the role of this variant in disease. Therefore, it has been classified as a Variant of Uncertain Significance. Algorithms developed to predict the effect of sequence changes on RNA splicing suggest that this variant may create or strengthen a splice site, but this prediction has not been confirmed by published transcriptional studies. Algorithms developed to predict the effect of missense changes on protein structure and function are either unavailable or do not agree on the potential impact of this missense change (SIFT: "Deleterious"; PolyPhen-2: "Probably Damaging"; Align-GVGD: "Class C0"). This variant has not been reported in the literature in individuals with LAMA4-related conditions. This sequence change replaces histidine with tyrosine at codon 1725 of the LAMA4 protein (p.His1725Tyr). The histidine residue is highly conserved and there is a moderate physicochemical difference between histidine and tyrosine.

Neuberg Centre For Genomic Medicine, NCGM
Classification: Uncertain significance for Dilated cardiomyopathy 1JJ. Review status: criteria provided, single submitter. Criteria: ACMG Guidelines, 2015. Collection method: clinical testing. Allele origin: germline. Inheritance: Autosomal dominant inheritance. Affected: yes.
Comment: The missense variant in c.5194C>T (p.His1732Tyr) in LAMA4 gene has not been reported previously as a pathogenic variant nor as a benign variant, to our knowledge. The p.His1732Tyr variant is novel (not in any individuals) in gnomAD Exomes and 1000 Genomes. The amino acid His at position 1732 is changed to a Tyr changing protein sequence and it might alter its composition and physico-chemical properties. The amino acid change p.His1732Tyr in LAMA4 is predicted as conserved by GERP++ and PhyloP across 100 vertebrates. For these reasons, this variant has been classified as uncertain significance.

NM_001105206.3(LAMA4):c.5194C>T (p.His1732Tyr)

Gene: LAMA4 (laminin subunit alpha 4; minus strand). Cytogenetic location: 6q21.
Variant type: single nucleotide variant.
Coding change: c.5194C>T on transcript NM_001105206.3 (MANE Select); coding-DNA position 5194, C replaced by T.
Protein change: p.His1732Tyr; replaces histidine 1732 with tyrosine.
Molecular consequence: missense variant.
Genome position (GRCh38, 1-based): chr6:112,114,675, G>A on the plus strand (C>T on the coding strand, the complement: LAMA4 is on the minus strand). VCF-style: chr6-112114675-G-A. GRCh37 (hg19) VCF-style: chr6-112435878-G-A.
Other names: c.5173C>T, p.His1725Tyr (NM_001105207.3, NM_002290.5); short protein forms H1732Y, H1725Y.
Identifiers: ClinVar variation 1410735 (VCV001410735.14), dbSNP rs2114556643, ClinGen allele CA365364681.